The following is an entry in ClinVar:

NM_004211.5(SLC6A5):c.85C>T (p.Pro29Ser)

Gene: SLC6A5 (solute carrier family 6 member 5; plus strand). Cytogenetic location: 11p15.1.
Variant type: single nucleotide variant.
Coding change: c.85C>T on transcript NM_004211.5 (MANE Select); coding-DNA position 85, C replaced by T.
Protein change: p.Pro29Ser; replaces proline 29 with serine.
Molecular consequence: missense variant. On other transcripts: 5 prime UTR variant (1).
Genome position (GRCh38, 1-based): chr11:20,601,210, C>T. VCF-style: chr11-20601210-C-T. GRCh37 (hg19) VCF-style: chr11-20622756-C-T.
Other names: c.-479C>T (NM_001318369.2); short protein forms P29S.
Identifiers: ClinVar variation 2010623 (VCV002010623.4), dbSNP rs1852465702, ClinGen allele CA379910777.

ClinVar aggregate classification (germline): Uncertain significance (1 of 4 stars; one submission).

Conditions:
Hyperekplexia 3 (HKPX3). Also called: HYPEREKPLEXIA 3, AUTOSOMAL RECESSIVE; HYPEREKPLEXIA 3, AUTOSOMAL DOMINANT. Identifiers: Orphanet 3197, MedGen C3553288, MONDO:0013827, OMIM 614618.

Allele frequency attached by ClinVar (database versions not stated): gnomAD exomes below 0.00001.

Submission:

Labcorp Genetics (formerly Invitae), Labcorp
Classification: Uncertain significance for Hyperekplexia 3. Last evaluated: 2022-07-23. Review status: criteria provided, single submitter. Criteria: Invitae Variant Classification Sherloc (09022015). Collection method: clinical testing. Allele origin: germline.
Comment: This sequence change replaces proline, which is neutral and non-polar, with serine, which is neutral and polar, at codon 29 of the SLC6A5 protein (p.Pro29Ser). In summary, the available evidence is currently insufficient to determine the role of this variant in disease. Therefore, it has been classified as a Variant of Uncertain Significance. Advanced modeling of protein sequence and biophysical properties (such as structural, functional, and spatial information, amino acid conservation, physicochemical variation, residue mobility, and thermodynamic stability) performed at Invitae indicates that this missense variant is not expected to disrupt SLC6A5 protein function. This variant has not been reported in the literature in individuals affected with SLC6A5-related conditions. This variant is not present in population databases (gnomAD no frequency).